The following is an entry in ClinVar:

NM_001999.4(FBN2):c.5191A>G (p.Asn1731Asp)

Gene: FBN2 (fibrillin 2; minus strand). Cytogenetic location: 5q23.3.
Variant type: single nucleotide variant.
Coding change: c.5191A>G on transcript NM_001999.4 (MANE Select); coding-DNA position 5191, A replaced by G.
Protein change: p.Asn1731Asp; replaces asparagine 1731 with aspartic acid.
Molecular consequence: missense variant.
Genome position (GRCh38, 1-based): chr5:128,309,992, T>C on the plus strand (A>G on the coding strand, the complement: FBN2 is on the minus strand). VCF-style: chr5-128309992-T-C. GRCh37 (hg19) VCF-style: chr5-127645684-T-C.
Other names: short protein forms N1731D.
Identifiers: ClinVar variation 855429 (VCV000855429.9), dbSNP rs1476723489, ClinGen allele CA360744350.

ClinVar aggregate classification (germline): Conflicting classifications of pathogenicity. Review status: criteria provided, conflicting classifications (1 of 4 stars). 2 submissions from 2 submitters: Uncertain significance (1); Benign (1). Last evaluated 2025-12-29.

Conditions:
Congenital contractural arachnodactyly (CCA). Also called: BEALS SYNDROME; Beals-Hecht syndrome; Arthrogryposis, distal, type 9. Identifiers: Orphanet 115, MedGen C0220668, MONDO:0007363, OMIM 121050.
Familial thoracic aortic aneurysm and aortic dissection (TAAD). Also called: Thoracic aortic aneurysms and dissections. Identifiers: Orphanet 91387, MedGen C4707243, MONDO:0019625.

Allele frequency attached by ClinVar (database versions not stated): gnomAD exomes 0.00001; TOPMed 0.00002; gnomAD 0.00003.
gnomAD v4.1: 25 of 1,613,850 alleles (0.0015%); highest among the groups gnomAD compares: Non-Finnish European, 0.0021%; no homozygotes.

Submissions (2):

Labcorp Genetics (formerly Invitae), Labcorp
Classification: Benign for Congenital contractural arachnodactyly. Last evaluated: 2025-12-29. Review status: criteria provided, single submitter. Criteria: Invitae Variant Classification Sherloc (09022015). Collection method: clinical testing. Allele origin: germline.

Ambry Genetics
Classification: Uncertain significance for Familial thoracic aortic aneurysm and aortic dissection. Last evaluated: 2024-07-17. Review status: criteria provided, single submitter. Criteria: Ambry Variant Classification Scheme 2023. Collection method: clinical testing. Allele origin: germline.
Comment: The p.N1731D variant (also known as c.5191A>G), located in coding exon 40 of the FBN2 gene, results from an A to G substitution at nucleotide position 5191. The asparagine at codon 1731 is replaced by aspartic acid, an amino acid with highly similar properties. This amino acid position is highly conserved in available vertebrate species. In addition, the in silico prediction for this alteration is inconclusive. Based on the available evidence, the clinical significance of this variant remains unclear.